The following is an entry in ClinVar:

ClinVar aggregate classification (germline): Uncertain significance. Review status: criteria provided, multiple submitters, no conflicts (2 of 4 stars). 2 submissions from 2 submitters: Uncertain significance (2). Last evaluated 2025-11-24.

Conditions:
Hereditary cancer-predisposing syndrome. Also called: Hereditary neoplastic syndrome; Neoplastic Syndromes, Hereditary; Tumor predisposition; Hereditary Cancer Syndrome. Identifiers: Orphanet 140162, MedGen C0027672, MeSH D009386, MONDO:0015356.
Oligodontia-cancer predisposition syndrome. Also called: TOOTH AGENESIS-COLORECTAL CANCER SYNDROME. Identifiers: Orphanet 300576, MedGen C1837750, MONDO:0012075, OMIM 608615. Disease mechanism: loss of function.

Allele frequency attached by ClinVar (database versions not stated): gnomAD 0.00001; gnomAD exomes 0.00001; TOPMed 0.00001; ExAC 0.00002.
gnomAD v4.1: 5 of 1,603,176 alleles (0.00031%); highest among the groups gnomAD compares: Admixed American, 0.0034%; no homozygotes.

Submissions (2):

Labcorp Genetics (formerly Invitae), Labcorp
Classification: Uncertain significance for Oligodontia-cancer predisposition syndrome. Last evaluated: 2025-11-24. Review status: criteria provided, single submitter. Criteria: Invitae Variant Classification Sherloc (09022015). Collection method: clinical testing. Allele origin: germline.
Comment: This sequence change replaces asparagine, which is neutral and polar, with tyrosine, which is neutral and polar, at codon 281 of the AXIN2 protein (p.Asn281Tyr). This variant is not present in population databases (gnomAD no frequency). This variant has not been reported in the literature in individuals affected with AXIN2-related conditions. ClinVar contains an entry for this variant (Variation ID: 533191). Invitae Evidence Modeling of protein sequence and biophysical properties (such as structural, functional, and spatial information, amino acid conservation, physicochemical variation, residue mobility, and thermodynamic stability) indicates that this missense variant is not expected to disrupt AXIN2 protein function with a negative predictive value of 80%. In summary, the available evidence is currently insufficient to determine the role of this variant in disease. Therefore, it has been classified as a Variant of Uncertain Significance.

Ambry Genetics
Classification: Uncertain significance for Hereditary cancer-predisposing syndrome. Last evaluated: 2024-08-01. Review status: criteria provided, single submitter. Criteria: Ambry Variant Classification Scheme 2023. Collection method: clinical testing. Allele origin: germline.
Comment: The p.N281Y variant (also known as c.841A>T), located in coding exon 2 of the AXIN2 gene, results from an A to T substitution at nucleotide position 841. The asparagine at codon 281 is replaced by tyrosine, an amino acid with dissimilar properties. This amino acid position is well conserved in available vertebrate species. In addition, the in silico prediction for this alteration is inconclusive. Since supporting evidence is limited at this time, the clinical significance of this alteration remains unclear.

NM_004655.4(AXIN2):c.841A>T (p.Asn281Tyr)

Gene: AXIN2 (axin 2; minus strand). Cytogenetic location: 17q24.1.
Variant type: single nucleotide variant.
Coding change: c.841A>T on transcript NM_004655.4 (MANE Select); coding-DNA position 841, A replaced by T.
Protein change: p.Asn281Tyr; replaces asparagine 281 with tyrosine.
Molecular consequence: missense variant.
Genome position (GRCh38, 1-based): chr17:65,549,635, T>A on the plus strand (A>T on the coding strand, the complement: AXIN2 is on the minus strand). VCF-style: chr17-65549635-T-A. GRCh37 (hg19) VCF-style: chr17-63545753-T-A.
Other names: c.841A>T, p.Asn281Tyr (NM_001363813.1); c.841A>T (LRG_296t1); short protein forms N281Y.
Identifiers: ClinVar variation 533191 (VCV000533191.14), dbSNP rs747107796, ClinGen allele CA8718963.